The following is an entry in ClinVar:

ClinVar aggregate classification (germline): Uncertain significance (1 of 4 stars; one submission).

Conditions:
Baller-Gerold syndrome (BGS). Also called: CRANIOSYNOSTOSIS WITH RADIAL DEFECTS. Identifiers: Orphanet 1225, MedGen C0265308, MONDO:0009039, OMIM 218600.

Submission:

Labcorp Genetics (formerly Invitae), Labcorp
Classification: Uncertain significance for Baller-Gerold syndrome. Last evaluated: 2024-04-30. Review status: criteria provided, single submitter. Criteria: Invitae Variant Classification Sherloc (09022015). Collection method: clinical testing. Allele origin: germline.
Comment: This sequence change replaces glutamic acid, which is acidic and polar, with aspartic acid, which is acidic and polar, at codon 468 of the RECQL4 protein (p.Glu468Asp). This variant is not present in population databases (gnomAD no frequency). This variant has not been reported in the literature in individuals affected with RECQL4-related conditions. ClinVar contains an entry for this variant (Variation ID: 850503). Advanced modeling of protein sequence and biophysical properties (such as structural, functional, and spatial information, amino acid conservation, physicochemical variation, residue mobility, and thermodynamic stability) performed at Invitae indicates that this missense variant is not expected to disrupt RECQL4 protein function with a negative predictive value of 80%. In summary, the available evidence is currently insufficient to determine the role of this variant in disease. Therefore, it has been classified as a Variant of Uncertain Significance.

NM_004260.4(RECQL4):c.1404G>C (p.Glu468Asp)

Gene: RECQL4 (RecQ like helicase 4; minus strand). Cytogenetic location: 8q24.3.
Variant type: single nucleotide variant.
Coding change: c.1404G>C on transcript NM_004260.4 (MANE Select); coding-DNA position 1404, G replaced by C.
Protein change: p.Glu468Asp; replaces glutamic acid 468 with aspartic acid.
Molecular consequence: missense variant.
Genome position (GRCh38, 1-based): chr8:144,515,229, C>G on the plus strand (G>C on the coding strand, the complement: RECQL4 is on the minus strand). VCF-style: chr8-144515229-C-G. GRCh37 (hg19) VCF-style: chr8-145740613-C-G.
Other names: short protein forms E468D.
Identifiers: ClinVar variation 850503 (VCV000850503.5), dbSNP rs371046973, ClinGen allele CA372685040.